The following is an entry in ClinVar:

ClinVar aggregate classification (germline): Likely benign. Review status: criteria provided, single submitter (1 of 4 stars). 2 submissions from 2 submitters: Likely benign (1). 1 of the submissions does not count toward it. Last evaluated 2023-10-14.

Conditions:
DNAH11-related disorder. Also called: DNAH11-related condition.
Primary ciliary dyskinesia. Also called: Ciliary dyskinesia. Identifiers: Orphanet 244, MedGen C0008780, MONDO:0016575, HP:0012265.

Allele frequency attached by ClinVar (database versions not stated): ESP Exome Variant Server 0.00008.
gnomAD v4.1: 20 of 1,611,234 alleles (0.0012%); highest among the groups gnomAD compares: Non-Finnish European, 0.0016%; no homozygotes.

Submissions (2):

Labcorp Genetics (formerly Invitae), Labcorp
Classification: Likely benign for Primary ciliary dyskinesia. Last evaluated: 2023-10-14. Review status: criteria provided, single submitter. Criteria: Invitae Variant Classification Sherloc (09022015). Collection method: clinical testing. Allele origin: germline.

PreventionGenetics, part of Exact Sciences
Classification: Likely benign for DNAH11-related condition. Last evaluated: 2019-07-16. Review status: no assertion criteria provided. Collection method: clinical testing. Allele origin: germline. Not counted in ClinVar's aggregate classification.
Comment: This variant is classified as likely benign based on ACMG/AMP sequence variant interpretation guidelines (Richards et al. 2015 PMID: 25741868, with internal and published modifications).

NM_001277115.2(DNAH11):c.3723T>C (p.Asn1241=)

Gene: DNAH11 (dynein axonemal heavy chain 11; plus strand). Cytogenetic location: 7p15.3.
Variant type: single nucleotide variant.
Coding change: c.3723T>C on transcript NM_001277115.2 (MANE Select); coding-DNA position 3723, T replaced by C.
Protein change: p.Asn1241=; no amino-acid change (asparagine 1241 retained).
Molecular consequence: synonymous variant.
Genome position (GRCh38, 1-based): chr7:21,606,500, T>C. VCF-style: chr7-21606500-T-C. GRCh37 (hg19) VCF-style: chr7-21646118-T-C.
Other names: c.3723T>C, p.Asn1241= (NM_003777.3); c.3723T>C (NM_001277115.1).
Identifiers: ClinVar variation 2992793 (VCV002992793.5), dbSNP rs373574217, ClinGen allele CA4179718.
Genomic context (GRCh38, chr7:21,606,500, plus strand): 5'-ATGGGAAACTACCAAAAAGATCGCAGCAACTGTCAGACATGAAGTCTCACCTCTCCATAA[T>C]GCGGAAGTCACTCTTATAAGGAAAAAATGTATTTTGTTTGACGTAAGCTAGTTACCAAGT-3'
Protein context (NP_001264044.1, residues 1231-1251): TVRHEVSPLH[Asn1241=]AEVTLIRKKC